The following is an entry in ClinVar:

ClinVar aggregate classification (germline): Conflicting classifications of pathogenicity. Review status: criteria provided, conflicting classifications (1 of 4 stars). 3 submissions from 3 submitters: Uncertain significance (1); Benign (2). Last evaluated 2017-01-26.

Conditions:
Fucosyltransferase 6 deficiency. Identifiers: MedGen C3151219, MONDO:0013462, OMIM 613852.

Allele frequency attached by ClinVar (database versions not stated): ESP Exome Variant Server 0.00562; gnomAD 0.00631 and 0.00847; TOPMed 0.00829; gnomAD exomes 0.00962 and 0.01741; ExAC 0.01772; 1000 Genomes Project 30x 0.02858; 1000 Genomes Project 0.02895.
gnomAD v4.1: 15,835 of 1,613,814 alleles (0.98%); highest among the groups gnomAD compares: South Asian, 5.6%; 375 homozygotes.

Submissions (3):

Center for Pediatric Genomic Medicine, Children's Mercy Hospital and Clinics
Classification: Benign. Last evaluated: 2017-01-26. Review status: criteria provided, single submitter. Criteria: ACMG Guidelines, 2015. Collection method: clinical testing. Allele origin: germline.

Soonchunhyang University Bucheon Hospital, Soonchunhyang University Medical Center
Classification: Uncertain significance for Fucosyltransferase 6 deficiency. Last evaluated: 2016-03-18. Review status: criteria provided, single submitter. Criteria: ACMG Guidelines, 2015. Collection method: reference population. Allele origin: germline. Observed: 6 variant alleles.

Broad Center for Mendelian Genomics, Broad Institute of MIT and Harvard
Classification: Benign for Fucosyltransferase 6 deficiency. Review status: criteria provided, single submitter. Criteria: ACMG Guidelines, 2015. Collection method: research. Allele origin: germline. Affected: yes.
Comment: The heterozygous p.Tyr315Ter variant in FUT6 has been identified in at least 1 Indonesian individual with fucosyltransferase deficiency (PMID: 8175676). In vitro functional studies provide some evidence that the p.Tyr315Ter variant may impact protein function (PMID: 8175676). However, this variant was found in cis with another pathogenic variant and did not segregate with disease in multiple families, suggesting that it may not cause fucosyltransferase deficiency (PMID: 8175676). This variant is classified as benign for fucosyltransferase deficiency because it has been identified in >65% of East Asian chromosomes by ExAC.

Literature cited by the submitters: PubMed 8175676 (cited by Soonchunhyang University Bucheon Hospital, Soonchunhyang University Medical Center).

NM_000150.4(FUT6):c.945C>A (p.Tyr315Ter)

Gene: FUT6 (fucosyltransferase 6; minus strand). Cytogenetic location: 19p13.3.
Variant type: single nucleotide variant.
Coding change: c.945C>A on transcript NM_000150.4 (MANE Select); coding-DNA position 945, C replaced by A.
Protein change: p.Tyr315Ter; replaces tyrosine 315 with a stop codon.
Molecular consequence: nonsense.
Genome position (GRCh38, 1-based): chr19:5,831,623, G>T on the plus strand (C>A on the coding strand, the complement: FUT6 is on the minus strand). VCF-style: chr19-5831623-G-T. GRCh37 (hg19) VCF-style: chr19-5831634-G-T.
Other names: c.945C>A, p.Tyr315Ter (NM_001040701.2, NM_001369502.1, NM_001369504.1 and 6 more transcripts); short protein forms Y315*.
Identifiers: ClinVar variation 225367 (VCV000225367.4), dbSNP rs145035679, ClinGen allele CA9117848.